The following is an entry in ClinVar:

NM_030877.5(CTNNBL1):c.1393-16G>A

Gene: CTNNBL1 (catenin beta like 1; plus strand). Cytogenetic location: 20q11.23.
Variant type: single nucleotide variant.
Coding change: c.1393-16G>A on transcript NM_030877.5 (MANE Select); 16 bases into the intron before coding-DNA position 1393, G replaced by A.
Molecular consequence: intron variant.
Genome position (GRCh38, 1-based): chr20:37,859,883, G>A. VCF-style: chr20-37859883-G-A. GRCh37 (hg19) VCF-style: chr20-36488285-G-A.
Other names: c.1312-16G>A (NM_001281495.2).
Identifiers: ClinVar variation 4848008 (VCV004848008.2).
Genomic context (GRCh38, chr20:37,859,883, plus strand): 5'-ATGGCCAGACTAGGAGTCCATTCTTTCCTCCCATTCACTGTCCAGCTTTTATTCCTAAAC[G>A]TTCATTTGTTTCTAGGACATGGTCCGGCGAGGAGAGATCATCGACAATGACACCGAGGAG-3'

ClinVar aggregate classification (germline): Benign/Likely benign. Review status: criteria provided, multiple submitters, no conflicts (2 of 4 stars). 2 submissions from 2 submitters: Benign (1); Likely benign (1). Last evaluated 2026-02-06.

gnomAD v4.1: 11,605 of 1,612,994 alleles (0.72%); highest among the groups gnomAD compares: Non-Finnish European, 0.91%; 62 homozygotes.

Submissions (2):

Women's Health and Genetics/Laboratory Corporation of America, LabCorp
Classification: Benign. Last evaluated: 2026-02-06. Review status: criteria provided, single submitter. Criteria: LabCorp Variant Classification Summary - May 2015. Collection method: clinical testing. Allele origin: germline.
Comment: Variant summary: CTNNBL1 c.1393-16G>A alters a nucleotide located at a position not widely known to affect splicing. Consensus agreement among computation tools predict no significant impact on normal splicing. However, these predictions have yet to be confirmed by functional studies. The variant allele was found at a frequency of 0.0042 in 250252 control chromosomes, predominantly at a frequency of 0.0074 within the Non-Finnish European subpopulation in the gnomAD database. The observed variant frequency within Non-Finnish European control individuals in the gnomAD database exceeds the estimated maximal expected allele frequency for disease-causing variants in CTNNBL1. To our knowledge, no occurrence of c.1393-16G>A in individuals affected with CTNNBL1-related conditions and no experimental evidence demonstrating its impact on protein function have been reported. No submitters have cited clinical-significance assessments for this variant to ClinVar. Based on the evidence outlined above, the variant was classified as benign.

Blueprint Genetics
Classification: Likely benign. Last evaluated: 2024-11-27. Review status: criteria provided, single submitter. Criteria: ACMG Guidelines, 2015. Collection method: clinical testing. Allele origin: germline.